The following is an entry in ClinVar:

ClinVar aggregate classification (germline): Uncertain significance. Review status: criteria provided, multiple submitters, no conflicts (2 of 4 stars). 2 submissions from 2 submitters: Uncertain significance (2). Last evaluated 2026-05-29.

Conditions:
BSCL2-related disorder. Also called: BSCL2-related condition; BSCL2-Related Disorders.

gnomAD v4.1: 13 of 1,553,614 alleles (0.00084%); highest among the groups gnomAD compares: African/African-American, 0.011%; no homozygotes.

Submissions (2):

PreventionGenetics, part of Exact Sciences
Classification: Uncertain significance for BSCL2-related condition. Last evaluated: 2026-05-29. Review status: criteria provided, single submitter. Criteria: ACMG Guidelines, 2015. Collection method: clinical testing. Allele origin: germline.
Comment: The BSCL2 c.74C>T variant is predicted to result in the amino acid substitution p.Pro25Leu. To our knowledge, this variant has not been reported in the literature. This variant is reported in 0.023% of alleles in individuals of African descent in gnomAD. At this time, the clinical significance of this variant is uncertain due to the absence of conclusive functional and genetic evidence.

Women's Health and Genetics/Laboratory Corporation of America, LabCorp
Classification: Uncertain significance. Last evaluated: 2026-02-10. Review status: criteria provided, single submitter. Criteria: LabCorp Variant Classification Summary - May 2015. Collection method: clinical testing. Allele origin: germline.
Comment: Variant summary: BSCL2 c.-1025C>T is located in the untranscribed region upstream of the BSCL2 gene region. The variant allele was found at a frequency of 2.5e-05 in 161308 control chromosomes. The available data on variant occurrences in the general population are insufficient to allow any conclusion about variant significance. To our knowledge, no occurrence of c.-1025C>T in individuals affected with BSCL2-related conditions and no experimental evidence demonstrating its impact on protein function have been reported. The following publication has been ascertained in the context of this evaluation (PMID: 26000489). No submitters have cited clinical-significance assessments for this variant to ClinVar. Based on the evidence outlined above, the variant was classified as uncertain significance.

Literature cited by the submitters: PubMed 26000489 (cited by Women's Health and Genetics/Laboratory Corporation of America, LabCorp).

NM_001122955.4(BSCL2):c.74C>T (p.Pro25Leu)

Genes: BSCL2 (BSCL2 lipid droplet biogenesis associated, seipin; minus strand), GNG3 (G protein subunit gamma 3; plus strand), HNRNPUL2-BSCL2 (HNRNPUL2-BSCL2 readthrough (NMD candidate); minus strand). Cytogenetic location: 11q12.3.
Variant type: single nucleotide variant.
Coding change: c.74C>T on transcript NM_001122955.4 (MANE Select); coding-DNA position 74, C replaced by T.
Protein change: p.Pro25Leu; replaces proline 25 with leucine.
Molecular consequence: missense variant. On other transcripts: genic upstream transcript variant (1), non-coding transcript variant (1).
Genome position (GRCh38, 1-based): chr11:62,707,122, G>A on the plus strand (C>T on the coding strand, the complement: BSCL2 is on the minus strand). VCF-style: chr11-62707122-G-A. GRCh37 (hg19) VCF-style: chr11-62474594-G-A.
Other names: c.-1025C>T (NM_032667.6); c.74C>T, p.Pro25Leu (NM_001386027.1, NM_001386028.1); short protein forms P25L.
Identifiers: ClinVar variation 4847945 (VCV004847945.2).